The following is an entry in ClinVar:

ClinVar aggregate classification (germline): Uncertain significance (1 of 4 stars; one submission).

Submission:

CeGaT Center for Human Genetics Tuebingen
Classification: Uncertain significance. Last evaluated: 2025-01-01. Review status: criteria provided, single submitter. Criteria: CeGaT Center For Human Genetics Tuebingen Variant Classification Criteria Version 2. Collection method: clinical testing. Allele origin: germline. Affected: yes. Observed: 1 variant allele.
Comment: ATAD3A: PM2, BP4

NM_001170535.3(ATAD3A):c.283-104G>C

Gene: ATAD3A (ATPase family AAA domain containing 3A; plus strand). Cytogenetic location: 1p36.33.
Variant type: single nucleotide variant.
Coding change: c.283-104G>C on transcript NM_001170535.3 (MANE Select); 104 bases into the intron before coding-DNA position 283, G replaced by C.
Molecular consequence: intron variant. On other transcripts: missense variant (1).
Genome position (GRCh38, 1-based): chr1:1,517,207, G>C. VCF-style: chr1-1517207-G-C. GRCh37 (hg19) VCF-style: chr1-1452587-G-C.
Other names: c.323G>C, p.Trp108Ser (NM_018188.5); c.46-104G>C (NM_001170536.3); short protein forms W108S.
Identifiers: ClinVar variation 3772272 (VCV003772272.13).